The following is an entry in ClinVar:

ClinVar aggregate classification (germline): Pathogenic (1 of 4 stars; one submission).

Conditions:
Marfan syndrome (MFS). Also called: MARFAN SYNDROME, TYPE I; Marfan syndrome type 1; Marfan's syndrome; Marfan syndrome, classic; FBN1-Related Marfan Syndrome. Identifiers: Orphanet 284963, Orphanet 558, MedGen C0024796, MONDO:0007947, OMIM 154700.
Familial thoracic aortic aneurysm and aortic dissection (TAAD). Also called: Thoracic aortic aneurysms and dissections. Identifiers: Orphanet 91387, MedGen C4707243, MONDO:0019625.

Submission:

Labcorp Genetics (formerly Invitae), Labcorp
Classification: Pathogenic for Marfan syndrome; Familial thoracic aortic aneurysm and aortic dissection. Last evaluated: 2023-06-25. Review status: criteria provided, single submitter. Criteria: Invitae Variant Classification Sherloc (09022015). Collection method: clinical testing. Allele origin: germline.
Comment: For these reasons, this variant has been classified as Pathogenic. This variant has not been reported in the literature in individuals affected with FBN1-related conditions. This variant is not present in population databases (gnomAD no frequency). This sequence change creates a premature translational stop signal (p.Lys2010Asnfs*49) in the FBN1 gene. It is expected to result in an absent or disrupted protein product. Loss-of-function variants in FBN1 are known to be pathogenic (PMID: 17657824, 19293843).

Literature cited by the submitters: PubMed 17657824; PubMed 19293843.

NM_000138.5(FBN1):c.6030del (p.Lys2010fs)

Gene: FBN1 (fibrillin 1; minus strand). Cytogenetic location: 15q21.1.
Variant type: Deletion.
Coding change: c.6030del on transcript NM_000138.5 (MANE Select); coding-DNA position 6030, one base deleted (G; older notation c.6030delG).
Protein change: p.Lys2010fs; shifts the reading frame from lysine 2010.
Molecular consequence: frameshift variant.
Genome position (GRCh38, 1-based): chr15:48,444,548, C deleted on the plus strand (G on the coding strand, the reverse complement: FBN1 is on the minus strand). VCF-style (leftmost placement, unchanged base first): chr15-48444547-AC-A. GRCh37 (hg19) VCF-style: chr15-48736744-AC-A.
Other names: c.6030del, p.Lys2010fs (NM_001406716.1); short protein forms K2010fs.
Identifiers: ClinVar variation 2949285 (VCV002949285.3), dbSNP rs2505451768, ClinGen allele CA2740096633.